The following is an entry in ClinVar:

NM_001256012.3(MYH10):c.322C>A (p.Arg108Ser)

Gene: MYH10 (myosin heavy chain 10; minus strand). Cytogenetic location: 17p13.1.
Variant type: single nucleotide variant.
Coding change: c.322C>A on transcript NM_001256012.3 (MANE Select); coding-DNA position 322, C replaced by A.
Protein change: p.Arg108Ser; replaces arginine 108 with serine.
Molecular consequence: missense variant.
Genome position (GRCh38, 1-based): chr17:8,622,925, G>T on the plus strand (C>A on the coding strand, the complement: MYH10 is on the minus strand). VCF-style: chr17-8622925-G-T. GRCh37 (hg19) VCF-style: chr17-8526243-G-T.
Other names: c.322C>A, p.Arg108Ser (NM_001256095.2, NM_001375266.1, NM_005964.5); short protein forms R108S.
Identifiers: ClinVar variation 4538062 (VCV004538062.1).

ClinVar aggregate classification (germline): Uncertain significance (1 of 4 stars; one submission).

Submission:

GeneDx
Classification: Uncertain significance. Last evaluated: 2025-06-10. Review status: criteria provided, single submitter. Criteria: GeneDx Variant Classification Process June 2021. Collection method: clinical testing. Allele origin: germline. Affected: yes.
Comment: Not observed at significant frequency in large population cohorts (gnomAD); In silico analysis supports that this missense variant has a deleterious effect on protein structure/function; Has not been previously published as pathogenic or benign to our knowledge